The following is an entry in ClinVar:

ClinVar aggregate classification (germline): Conflicting classifications of pathogenicity. Review status: criteria provided, conflicting classifications (1 of 4 stars). 7 submissions from 7 submitters: Uncertain significance (5); Benign (1). 1 of the submissions does not count toward it. Last evaluated 2026-01-23.

Conditions:
Inborn genetic diseases. Identifiers: MedGen C0950123, MeSH D030342.
Nemaline myopathy 2 (NEM2). Also called: Nemaline myopathy 2, autosomal recessive. Identifiers: MedGen C1850569, MONDO:0009725, OMIM 256030.

Allele frequency attached by ClinVar (database versions not stated): ExAC 0.00020; TOPMed 0.00032; gnomAD 0.00038 and 0.00036; 1000 Genomes Project 30x 0.00047; ESP Exome Variant Server 0.00060; 1000 Genomes Project 0.00040.
gnomAD v4.1: 153 of 1,604,574 alleles (0.0095%); highest among the groups gnomAD compares: African/African-American, 0.096%; no homozygotes.

Submissions (7):

Labcorp Genetics (formerly Invitae), Labcorp
Classification: Benign for Nemaline myopathy 2. Last evaluated: 2026-01-23. Review status: criteria provided, single submitter. Criteria: Invitae Variant Classification Sherloc (09022015). Collection method: clinical testing. Allele origin: germline.

Dasa
Classification: Uncertain significance. Last evaluated: 2025-08-17. Review status: criteria provided, single submitter. Criteria: DASA Assertion Criteria. Collection method: clinical testing. Allele origin: germline.
Comment: NM_001164508.2(NEB):c.23905C>T (p.Arg7969Cys) is a missense variant that results in the substitution of arginine with cysteine. This variant is rare in population databases. The currently available literature and clinical evidence are not sufficient to establish a definitive association between this variant and the reported condition. Therefore, this variant is classified as a variant of uncertain significance.

Ambry Genetics
Classification: Uncertain significance for Inborn genetic diseases. Last evaluated: 2024-11-10. Review status: criteria provided, single submitter. Criteria: Ambry Variant Classification Scheme 2023. Collection method: clinical testing. Allele origin: germline.

Revvity Omics, Revvity
Classification: Uncertain significance. Last evaluated: 2023-08-11. Review status: criteria provided, single submitter. Criteria: ACMG Guidelines, 2015. Collection method: clinical testing. Allele origin: germline.

GeneDx
Classification: Uncertain significance. Last evaluated: 2021-06-19. Review status: criteria provided, single submitter. Criteria: GeneDx Variant Classification Process June 2021. Collection method: clinical testing. Allele origin: germline. Affected: yes.
Comment: Has not been previously published as pathogenic or benign to our knowledge; In silico analysis supports that this missense variant has a deleterious effect on protein structure/function; This variant is associated with the following publications: (PMID: 27535533, 26582918)

Illumina Laboratory Services, Illumina
Classification: Uncertain significance for Nemaline myopathy 2. Last evaluated: 2018-01-12. Review status: criteria provided, single submitter. Criteria: ICSL Variant Classification Criteria 13 December 2019. Collection method: clinical testing. Allele origin: germline.

Natera, Inc.
Classification: Uncertain significance for Nemaline myopathy type 2. Last evaluated: 2020-02-21. Review status: no assertion criteria provided. Collection method: clinical testing. Allele origin: germline. Not counted in ClinVar's aggregate classification.

NM_001164508.2(NEB):c.23905C>T (p.Arg7969Cys)

Genes: NEB (nebulin; minus strand), RIF1 (replication timing regulatory factor 1; plus strand). Cytogenetic location: 2q23.3.
Variant type: single nucleotide variant.
Coding change: c.23905C>T on transcript NM_001164508.2 (MANE Select); coding-DNA position 23905, C replaced by T.
Protein change: p.Arg7969Cys; replaces arginine 7969 with cysteine.
Molecular consequence: missense variant.
Genome position (GRCh38, 1-based): chr2:151,502,816, G>A on the plus strand (C>T on the coding strand, the complement: NEB is on the minus strand). VCF-style: chr2-151502816-G-A. GRCh37 (hg19) VCF-style: chr2-152359330-G-A.
Other names: c.23905C>T, p.Arg7969Cys (NM_001164507.2); c.24010C>T, p.Arg8004Cys (NM_001271208.2); c.18802C>T, p.Arg6268Cys (NM_004543.5); short protein forms R6268C, R8004C, R7969C.
Identifiers: ClinVar variation 331410 (VCV000331410.22), dbSNP rs201419564, ClinGen allele CA1906199.